The following is an entry in ClinVar:

NM_000243.3(MEFV):c.664G>C (p.Gly222Arg)

Gene: MEFV (MEFV innate immunity regulator, pyrin; minus strand). Cytogenetic location: 16p13.3.
Variant type: single nucleotide variant.
Coding change: c.664G>C on transcript NM_000243.3 (MANE Select); coding-DNA position 664, G replaced by C.
Protein change: p.Gly222Arg; replaces glycine 222 with arginine.
Molecular consequence: missense variant. On other transcripts: intron variant (1).
Genome position (GRCh38, 1-based): chr16:3,254,404, C>G on the plus strand (G>C on the coding strand, the complement: MEFV is on the minus strand). VCF-style: chr16-3254404-C-G. GRCh37 (hg19) VCF-style: chr16-3304404-C-G.
Other names: c.277+1907G>C (NM_001198536.2); short protein forms G222R.
Identifiers: ClinVar variation 1056980 (VCV001056980.8), dbSNP rs772938936, ClinGen allele CA394478655.

ClinVar aggregate classification (germline): Uncertain significance (1 of 4 stars; one submission).

Conditions:
Familial Mediterranean fever (FMF). Also called: POLYSEROSITIS, FAMILIAL PAROXYSMAL; POLYSEROSITIS, RECURRENT; Periodic peritonitis; Benign paroxysmal peritonitis. Identifiers: Orphanet 342, MedGen C0031069, MONDO:0018088, OMIM 249100. Disease mechanism: gain of function.

Submission:

Labcorp Genetics (formerly Invitae), Labcorp
Classification: Uncertain significance for Familial Mediterranean fever. Last evaluated: 2020-10-09. Review status: criteria provided, single submitter. Criteria: Invitae Variant Classification Sherloc (09022015). Collection method: clinical testing. Allele origin: germline.
Comment: This sequence change replaces glycine with arginine at codon 222 of the MEFV protein (p.Gly222Arg). The glycine residue is moderately conserved and there is a moderate physicochemical difference between glycine and arginine. This variant is not present in population databases (ExAC no frequency). This variant has not been reported in the literature in individuals with MEFV-related conditions. Algorithms developed to predict the effect of missense changes on protein structure and function are either unavailable or do not agree on the potential impact of this missense change (SIFT: "Deleterious"; PolyPhen-2: "Benign"; Align-GVGD: "Class C0"). In summary, the available evidence is currently insufficient to determine the role of this variant in disease. Therefore, it has been classified as a Variant of Uncertain Significance.